The following is an entry in ClinVar:

ClinVar aggregate classification (germline): Uncertain significance (1 of 4 stars; one submission).

Allele frequency attached by ClinVar (database versions not stated): gnomAD 0.00001; gnomAD exomes 0.00001; ExAC 0.00002.

Submission:

Labcorp Genetics (formerly Invitae), Labcorp
Classification: Uncertain significance. Last evaluated: 2022-04-16. Review status: criteria provided, single submitter. Criteria: Invitae Variant Classification Sherloc (09022015). Collection method: clinical testing. Allele origin: germline.
Comment: This sequence change replaces arginine, which is basic and polar, with tryptophan, which is neutral and slightly polar, at codon 191 of the ACY1 protein (p.Arg191Trp). This variant is present in population databases (rs748268468, gnomAD 0.006%). This variant has not been reported in the literature in individuals affected with ACY1-related conditions. Algorithms developed to predict the effect of missense changes on protein structure and function (SIFT, PolyPhen-2, Align-GVGD) all suggest that this variant is likely to be disruptive. Algorithms developed to predict the effect of sequence changes on RNA splicing suggest that this variant may disrupt the consensus splice site. In summary, the available evidence is currently insufficient to determine the role of this variant in disease. Therefore, it has been classified as a Variant of Uncertain Significance.

NM_000666.3(ACY1):c.571C>T (p.Arg191Trp)

Genes: ABHD14A-ACY1 (ABHD14A-ACY1 readthrough; plus strand), ACY1 (aminoacylase 1; plus strand). Cytogenetic location: 3p21.2.
Variant type: single nucleotide variant.
Coding change: c.571C>T on transcript NM_000666.3 (MANE Select); coding-DNA position 571, C replaced by T.
Protein change: p.Arg191Trp; replaces arginine 191 with tryptophan.
Molecular consequence: missense variant.
Genome position (GRCh38, 1-based): chr3:51,986,649, C>T. VCF-style: chr3-51986649-C-T. GRCh37 (hg19) VCF-style: chr3-52020665-C-T.
Other names: c.841C>T, p.Arg281Trp (NM_001316331.2); c.571C>T, p.Arg191Trp (NM_001198895.2, NM_001198897.2); c.355C>T, p.Arg119Trp (NM_001198896.2); c.466C>T, p.Arg156Trp (NM_001198898.2); short protein forms R119W, R191W, R281W, R156W.
Identifiers: ClinVar variation 1945287 (VCV001945287.3), dbSNP rs748268468, ClinGen allele CA2428542.